The following is an entry in ClinVar:

ClinVar aggregate classification (germline): Likely benign. Review status: criteria provided, single submitter (1 of 4 stars). 2 submissions from 2 submitters: Likely benign (1). 1 of the submissions does not count toward it. Last evaluated 2025-10-25.

Conditions:
BBS2-related disorder. Also called: BBS2-related disorders; BBS2-related condition. Identifiers: MedGen CN239228.
Bardet-Biedl syndrome (BBS). Identifiers: Orphanet 110, MedGen C0752166, MONDO:0015229.

Allele frequency attached by ClinVar (database versions not stated): ExAC 0.00001; gnomAD 0.00001; gnomAD exomes 0.00001 and 0.00002; TOPMed 0.00002.
gnomAD v4.1: 5 of 1,614,056 alleles (0.00031%); highest among the groups gnomAD compares: Admixed American, 0.0083%; no homozygotes.

Submissions (2):

Labcorp Genetics (formerly Invitae), Labcorp
Classification: Likely benign for Bardet-Biedl syndrome. Last evaluated: 2025-10-25. Review status: criteria provided, single submitter. Criteria: Invitae Variant Classification Sherloc (09022015). Collection method: clinical testing. Allele origin: germline.

PreventionGenetics, part of Exact Sciences
Classification: Likely benign for BBS2-related condition. Last evaluated: 2022-04-20. Review status: no assertion criteria provided. Collection method: clinical testing. Allele origin: germline. Not counted in ClinVar's aggregate classification.
Comment: This variant is classified as likely benign based on ACMG/AMP sequence variant interpretation guidelines (Richards et al. 2015 PMID: 25741868, with internal and published modifications).

NM_031885.5(BBS2):c.1458G>A (p.Leu486=)

Gene: BBS2 (Bardet-Biedl syndrome 2; minus strand). Cytogenetic location: 16q13.
Variant type: single nucleotide variant.
Coding change: c.1458G>A on transcript NM_031885.5 (MANE Select); coding-DNA position 1458, G replaced by A.
Protein change: p.Leu486=; no amino-acid change (leucine 486 retained).
Molecular consequence: synonymous variant. On other transcripts: non-coding transcript variant (5).
Genome position (GRCh38, 1-based): chr16:56,499,847, C>T on the plus strand (G>A on the coding strand, the complement: BBS2 is on the minus strand). VCF-style: chr16-56499847-C-T. GRCh37 (hg19) VCF-style: chr16-56533759-C-T.
Other names: c.1458G>A (NM_031885.3); c.1458G>A, p.Leu486= (NM_001377456.1).
Identifiers: ClinVar variation 1126650 (VCV001126650.11), dbSNP rs756379392, ClinGen allele CA8065729.